The following is an entry in ClinVar:

NM_182931.3(KMT2E):c.2793T>G (p.Tyr931Ter)

Gene: KMT2E (lysine methyltransferase 2E (inactive); plus strand). Cytogenetic location: 7q22.3.
Variant type: single nucleotide variant.
Coding change: c.2793T>G on transcript NM_182931.3 (MANE Select); coding-DNA position 2793, T replaced by G.
Protein change: p.Tyr931Ter; replaces tyrosine 931 with a stop codon.
Molecular consequence: nonsense.
Genome position (GRCh38, 1-based): chr7:105,106,718, T>G. VCF-style: chr7-105106718-T-G. GRCh37 (hg19) VCF-style: chr7-104747165-T-G.
Other names: c.2793T>G, p.Tyr931Ter (NM_001410908.1, NM_018682.4); short protein forms Y931*.
Identifiers: ClinVar variation 1709347 (VCV001709347.2), dbSNP rs2536506538, ClinGen allele CA368787621.

ClinVar aggregate classification (germline): Likely pathogenic (1 of 4 stars; one submission).

Conditions:
O'Donnell-Luria-Rodan syndrome (ODLURO). Also called: KMT2E-Related Neurodevelopmental Disorder. Identifiers: MedGen C5193138, MONDO:0032793, OMIM 618512.

Submission:

MGZ Medical Genetics Center
Classification: Likely pathogenic for O'Donnell-Luria-Rodan syndrome. Last evaluated: 2022-03-30. Review status: criteria provided, single submitter. Criteria: ACMG Guidelines, 2015. Collection method: clinical testing. Allele origin: germline. Affected: yes. Observed: 1 variant allele.
Comment: ACMG criteria applied: PVS1, PM2_SUP